The following is an entry in ClinVar:

NM_000136.3(FANCC):c.833A>G (p.Asp278Gly)

Genes: AOPEP (aminopeptidase O (putative); plus strand), FANCC (FA complementation group C; minus strand). Cytogenetic location: 9q22.32.
Variant type: single nucleotide variant.
Coding change: c.833A>G on transcript NM_000136.3 (MANE Select); coding-DNA position 833, A replaced by G.
Protein change: p.Asp278Gly; replaces aspartic acid 278 with glycine.
Molecular consequence: missense variant.
Genome position (GRCh38, 1-based): chr9:95,135,356, T>C on the plus strand (A>G on the coding strand, the complement: FANCC is on the minus strand). VCF-style: chr9-95135356-T-C. GRCh37 (hg19) VCF-style: chr9-97897638-T-C.
Other names: c.833A>G, p.Asp278Gly (NM_001243743.2, NM_001243744.2); short protein forms D278G.
Identifiers: ClinVar variation 1762982 (VCV001762982.2), dbSNP rs2541398388, ClinGen allele CA374109187.

ClinVar aggregate classification (germline): Uncertain significance (1 of 4 stars; one submission).

Conditions:
Hereditary cancer-predisposing syndrome. Also called: Neoplastic Syndromes, Hereditary; Tumor predisposition; Hereditary Cancer Syndrome; Hereditary neoplastic syndrome. Identifiers: Orphanet 140162, MedGen C0027672, MeSH D009386, MONDO:0015356.

Submission:

Ambry Genetics
Classification: Uncertain significance for Hereditary cancer-predisposing syndrome. Last evaluated: 2022-07-05. Review status: criteria provided, single submitter. Criteria: Ambry Variant Classification Scheme 2023. Collection method: clinical testing. Allele origin: germline.
Comment: The p.D278G variant (also known as c.833A>G), located in coding exon 7 of the FANCC gene, results from an A to G substitution at nucleotide position 833. The aspartic acid at codon 278 is replaced by glycine, an amino acid with similar properties. This amino acid position is conserved. In addition, this alteration is predicted to be tolerated by in silico analysis. Since supporting evidence is limited at this time, the clinical significance of this alteration remains unclear.